The following is an entry in ClinVar:

NM_004260.4(RECQL4):c.2086C>T (p.Arg696Cys)

Gene: RECQL4 (RecQ like helicase 4; minus strand). Cytogenetic location: 8q24.3.
Variant type: single nucleotide variant.
Coding change: c.2086C>T on transcript NM_004260.4 (MANE Select); coding-DNA position 2086, C replaced by T.
Protein change: p.Arg696Cys; replaces arginine 696 with cysteine.
Molecular consequence: missense variant.
Genome position (GRCh38, 1-based): chr8:144,513,685, G>A on the plus strand (C>T on the coding strand, the complement: RECQL4 is on the minus strand). VCF-style: chr8-144513685-G-A. GRCh37 (hg19) VCF-style: chr8-145739069-G-A.
Other names: short protein forms R696C.
Identifiers: ClinVar variation 459374 (VCV000459374.13), dbSNP rs531970883, ClinGen allele CA4948473.
Genomic context (GRCh38, chr8:144,513,685, plus strand): 5'-TCCGCTCTGTGTCCTCGCGCCGGTTGCAGTAAATGATAATGGAATCGAGGTTTTGAAAAC[G>A]TTTGCCTTGCAGCAGCGTCAACAGTGCCTGATGAGGAGCGGTTGGCGTGGGCAGTGGGGA-3'
Protein context (NP_004251.4, residues 686-706): QALLTLLQGK[Arg696Cys]FQNLDSIIIY

ClinVar aggregate classification (germline): Uncertain significance. Review status: criteria provided, multiple submitters, no conflicts (2 of 4 stars). 5 submissions from 5 submitters: Uncertain significance (5). Last evaluated 2025-03-19.

Conditions:
RECQL4-related disorder. Also called: RECQL4-related disorders; RECQL4-related condition.
Rothmund-Thomson syndrome type 2 (RTS2). Identifiers: Orphanet 221016, MedGen C5203410, MONDO:0016369, OMIM 268400.
Inborn genetic diseases. Identifiers: MedGen C0950123, MeSH D030342.
Baller-Gerold syndrome (BGS). Also called: CRANIOSYNOSTOSIS WITH RADIAL DEFECTS. Identifiers: Orphanet 1225, MedGen C0265308, MONDO:0009039, OMIM 218600.

Allele frequency attached by ClinVar (database versions not stated): TOPMed 0.00006.
gnomAD v4.1: 170 of 1,551,440 alleles (0.011%); highest among the groups gnomAD compares: Middle Eastern, 0.05%; no homozygotes.

Submissions (5):

PreventionGenetics, part of Exact Sciences
Classification: Uncertain significance for RECQL4-related condition. Last evaluated: 2025-03-19. Review status: criteria provided, single submitter. Criteria: ACMG Guidelines, 2015. Collection method: clinical testing. Allele origin: germline.
Comment: The RECQL4 c.2086C>T variant is predicted to result in the amino acid substitution p.Arg696Cys. To our knowledge, this variant has not been reported in the literature. This variant is reported in 0.010% of alleles in individuals of European (Non-Finnish) descent in gnomAD. At this time, the clinical significance of this variant is uncertain due to the absence of conclusive functional and genetic evidence.

Ambry Genetics
Classification: Uncertain significance for Inborn genetic diseases. Last evaluated: 2024-11-30. Review status: criteria provided, single submitter. Criteria: Ambry Variant Classification Scheme 2023. Collection method: clinical testing. Allele origin: germline.
Comment: The p.R696C variant (also known as c.2086C>T), located in coding exon 13 of the RECQL4 gene, results from a C to T substitution at nucleotide position 2086. The arginine at codon 696 is replaced by cysteine, an amino acid with highly dissimilar properties. This amino acid position is conserved. In addition, this alteration is predicted to be deleterious by in silico analysis. Based on the available evidence, the clinical significance of this variant remains unclear.

Blueprint Genetics
Classification: Uncertain significance. Last evaluated: 2024-09-16. Review status: criteria provided, single submitter. Criteria: ACMG Guidelines, 2015. Collection method: clinical testing. Allele origin: germline.

Labcorp Genetics (formerly Invitae), Labcorp
Classification: Uncertain significance for Baller-Gerold syndrome. Last evaluated: 2023-12-23. Review status: criteria provided, single submitter. Criteria: Invitae Variant Classification Sherloc (09022015). Collection method: clinical testing. Allele origin: germline.
Comment: This sequence change replaces arginine, which is basic and polar, with cysteine, which is neutral and slightly polar, at codon 696 of the RECQL4 protein (p.Arg696Cys). This variant is present in population databases (rs531970883, gnomAD 0.01%). This variant has not been reported in the literature in individuals affected with RECQL4-related conditions. ClinVar contains an entry for this variant (Variation ID: 459374). Advanced modeling of protein sequence and biophysical properties (such as structural, functional, and spatial information, amino acid conservation, physicochemical variation, residue mobility, and thermodynamic stability) has been performed at Invitae for this missense variant, however the output from this modeling did not meet the statistical confidence thresholds required to predict the impact of this variant on RECQL4 protein function. In summary, the available evidence is currently insufficient to determine the role of this variant in disease. Therefore, it has been classified as a Variant of Uncertain Significance.

St. Jude Molecular Pathology, St. Jude Children's Research Hospital
Classification: Uncertain significance for Rothmund-Thomson syndrome type 2. Last evaluated: 2021-07-22. Review status: criteria provided, single submitter. Criteria: St. Jude Assertion Criteria 2020. Collection method: clinical testing. Allele origin: germline.
Comment: The RECQL4 c.2086C>T (p.Arg696Cys) missense change has a maximum subpopulation frequency of 0.010% in gnomAD v2.1.1. In silico tools are not in agreement about the effect of this variant on protein function, but to our knowledge these predictions have not been confirmed by functional assays. To our knowledge, this variant has not been reported in individuals with RECQL4-associated disorders. In summary, this variant meets criteria to be classified as of uncertain significance based on the ACMG/AMP criteria: no criteria met.